The following is an entry in ClinVar:

NM_014915.3(ANKRD26):c.4457C>A (p.Ala1486Glu)

Gene: ANKRD26 (ankyrin repeat domain 26; minus strand). Cytogenetic location: 10p12.1.
Variant type: single nucleotide variant.
Coding change: c.4457C>A on transcript NM_014915.3 (MANE Select); coding-DNA position 4457, C replaced by A.
Protein change: p.Ala1486Glu; replaces alanine 1486 with glutamic acid.
Molecular consequence: missense variant.
Genome position (GRCh38, 1-based): chr10:27,017,551, G>T on the plus strand (C>A on the coding strand, the complement: ANKRD26 is on the minus strand). VCF-style: chr10-27017551-G-T. GRCh37 (hg19) VCF-style: chr10-27306480-G-T.
Other names: c.4454C>A, p.Ala1485Glu (NM_001256053.2); short protein forms A1486E, A1485E.
Identifiers: ClinVar variation 4825329 (VCV004825329.1).

ClinVar aggregate classification (germline): Uncertain significance (1 of 4 stars; one submission).

Conditions:
Inborn genetic diseases. Identifiers: MedGen C0950123, MeSH D030342.

gnomAD v4.1: 2 of 1,613,484 alleles (0.00012%); highest among the groups gnomAD compares: African/African-American, 0.0027%; no homozygotes.

Submission:

Ambry Genetics
Classification: Uncertain significance for Inborn genetic diseases. Last evaluated: 2025-12-20. Review status: criteria provided, single submitter. Criteria: Ambry Variant Classification Scheme 2023. Collection method: clinical testing. Allele origin: germline.
Comment: The p.A1486E variant (also known as c.4457C>A), located in coding exon 30 of the ANKRD26 gene, results from a C to A substitution at nucleotide position 4457. The alanine at codon 1486 is replaced by glutamic acid, an amino acid with dissimilar properties. This amino acid position is conserved. In addition, this alteration is predicted to be tolerated by in silico analysis. Based on the available evidence, the clinical significance of this variant remains unclear.